The following is an entry in ClinVar:

ClinVar aggregate classification (germline): Uncertain significance (1 of 4 stars; one submission).

Conditions:
Hereditary diffuse gastric adenocarcinoma (HDGC). Also called: DIFFUSE GASTRIC AND LOBULAR BREAST CANCER SYNDROME. Identifiers: Orphanet 26106, MedGen C1708349, MONDO:0007648, OMIM 137215.

Submission:

Labcorp Genetics (formerly Invitae), Labcorp
Classification: Uncertain significance for Hereditary diffuse gastric adenocarcinoma. Last evaluated: 2021-06-11. Review status: criteria provided, single submitter. Criteria: Invitae Variant Classification Sherloc (09022015). Collection method: clinical testing. Allele origin: germline.
Comment: The frequency data for this variant in the population databases is not available, as this variant may be reported as separate entries in the ExAC database. In summary, the available evidence is currently insufficient to determine the role of this variant in disease. Therefore, it has been classified as a Variant of Uncertain Significance. Algorithms developed to predict the effect of sequence changes on RNA splicing suggest that this variant may create or strengthen a splice site, but this prediction has not been confirmed by published transcriptional studies. Algorithms developed to predict the effect of missense changes on protein structure and function are either unavailable or do not agree on the potential impact of this missense change (SIFT: "Not Available"; PolyPhen-2: "Benign"; Align-GVGD: "Not Available"). This variant has not been reported in the literature in individuals with CDH1-related conditions. This sequence change replaces alanine with arginine at codon 617 of the CDH1 protein (p.Ala617Arg). The alanine residue is weakly conserved and there is a moderate physicochemical difference between alanine and arginine.

NM_004360.5(CDH1):c.1849_1850delinsAG (p.Ala617Arg)

Gene: CDH1 (cadherin 1; plus strand). Cytogenetic location: 16q22.1.
Variant type: Indel.
Coding change: c.1849_1850delinsAG on transcript NM_004360.5 (MANE Select); coding-DNA positions 1849 to 1850, GC replaced by AG.
Protein change: p.Ala617Arg; replaces alanine 617 with arginine.
Molecular consequence: missense variant. On other transcripts: 5 prime UTR variant (1).
Genome position (GRCh38, 1-based): chr16:68,822,138-68,822,139, GC replaced by AG. VCF-style: chr16-68822138-GC-AG. GRCh37 (hg19) VCF-style: chr16-68856041-GC-AG.
Other names: c.1666_1667delinsAG, p.Ala556Arg (NM_001317184.2); c.301_302delinsAG, p.Ala101Arg (NM_001317185.2); c.-117_-116delinsAG (NM_001317186.2); short protein forms A556R, A617R, A101R.
Identifiers: ClinVar variation 1360286 (VCV001360286.6), dbSNP rs2152138443, ClinGen allele CA2573152611.